The following is an entry in ClinVar:

NM_001098.3(ACO2):c.16C>G (p.Leu6Val)

Gene: ACO2 (aconitase 2; plus strand). Cytogenetic location: 22q13.2.
Variant type: single nucleotide variant.
Coding change: c.16C>G on transcript NM_001098.3 (MANE Select); coding-DNA position 16, C replaced by G.
Protein change: p.Leu6Val; replaces leucine 6 with valine.
Molecular consequence: missense variant.
Genome position (GRCh38, 1-based): chr22:41,469,162, C>G. VCF-style: chr22-41469162-C-G. GRCh37 (hg19) VCF-style: chr22-41865166-C-G.
Other names: short protein forms L6V.
Identifiers: ClinVar variation 4775066 (VCV004775066.1).

ClinVar aggregate classification (germline): Uncertain significance (1 of 4 stars; one submission).

gnomAD v4.1: 14 of 1,609,624 alleles (0.00087%); highest among the groups gnomAD compares: Non-Finnish European, 0.0012%; no homozygotes.

Submission:

Labcorp Genetics (formerly Invitae), Labcorp
Classification: Uncertain significance. Last evaluated: 2025-10-27. Review status: criteria provided, single submitter. Criteria: Invitae Variant Classification Sherloc (09022015). Collection method: clinical testing. Allele origin: germline.
Comment: This sequence change replaces leucine, which is neutral and non-polar, with valine, which is neutral and non-polar, at codon 6 of the ACO2 protein (p.Leu6Val). This variant is present in population databases (rs769265073, gnomAD 0.002%). This variant has not been reported in the literature in individuals affected with ACO2-related conditions. An algorithm developed to predict the effect of missense changes on protein structure and function (PolyPhen-2) suggests that this variant is likely to be tolerated. In summary, the available evidence is currently insufficient to determine the role of this variant in disease. Therefore, it has been classified as a Variant of Uncertain Significance.